The following is an entry in ClinVar:

NM_000760.4(CSF3R):c.1724-20T>C

Gene: CSF3R (colony stimulating factor 3 receptor; minus strand). Cytogenetic location: 1p34.3.
Variant type: single nucleotide variant.
Coding change: c.1724-20T>C on transcript NM_000760.4 (MANE Select); 20 bases into the intron before coding-DNA position 1724, T replaced by C.
Molecular consequence: intron variant.
Genome position (GRCh38, 1-based): chr1:36,467,982, A>G on the plus strand (T>C on the coding strand, the complement: CSF3R is on the minus strand). VCF-style: chr1-36467982-A-G. GRCh37 (hg19) VCF-style: chr1-36933583-A-G.
Other names: c.1724-20T>C (NM_156039.3, NM_172313.3).
Identifiers: ClinVar variation 3625209 (VCV003625209.2).

ClinVar aggregate classification (germline): Uncertain significance (1 of 4 stars; one submission).

Conditions:
Autosomal recessive severe congenital neutropenia due to CSF3R deficiency. Also called: Neutropenia, severe congenital, 7, autosomal recessive. Identifiers: Orphanet 420702, MedGen C4310764, MONDO:0014865, OMIM 617014.

gnomAD v4.1: 6 of 1,614,108 alleles (0.00037%); highest among the groups gnomAD compares: African/African-American, 0.0013%; no homozygotes.

Submission:

Labcorp Genetics (formerly Invitae), Labcorp
Classification: Uncertain significance for Autosomal recessive severe congenital neutropenia due to CSF3R deficiency. Last evaluated: 2025-11-03. Review status: criteria provided, single submitter. Criteria: Invitae Variant Classification Sherloc (09022015). Collection method: clinical testing. Allele origin: germline.
Comment: This sequence change falls in intron 13 of the CSF3R gene. It does not directly change the encoded amino acid sequence of the CSF3R protein. This variant is present in population databases (no rsID available, gnomAD 0.01%). This variant has not been reported in the literature in individuals affected with CSF3R-related conditions. ClinVar contains an entry for this variant (Variation ID: 3625209). Algorithms developed to predict the effect of sequence changes on RNA splicing suggest that this variant may disrupt the consensus splice site. In summary, the available evidence is currently insufficient to determine the role of this variant in disease. Therefore, it has been classified as a Variant of Uncertain Significance.